The following is an entry in ClinVar:

ClinVar aggregate classification (germline): Conflicting classifications of pathogenicity. Review status: criteria provided, conflicting classifications (1 of 4 stars). 2 submissions from 2 submitters: Uncertain significance (1); Likely benign (1). Last evaluated 2026-01-23.

Conditions:
CC2D2A-related disorder. Also called: CC2D2A-related disorders; CC2D2A-related condition. Identifiers: MedGen CN239313.

Allele frequency attached by ClinVar (database versions not stated): gnomAD exomes below 0.00001; ExAC 0.00001; gnomAD 0.00001; TOPMed 0.00002.
gnomAD v4.1: 2 of 1,613,408 alleles (0.00012%); highest among the groups gnomAD compares: African/African-American, 0.0027%; no homozygotes.

Submissions (2):

PreventionGenetics, part of Exact Sciences
Classification: Likely benign for CC2D2A-related condition. Last evaluated: 2026-01-23. Review status: criteria provided, single submitter. Criteria: ACMG Guidelines, 2015. Collection method: clinical testing. Allele origin: germline.
Comment: This variant is classified as likely benign based on ACMG/AMP sequence variant interpretation guidelines (Richards et al. 2015 PMID: 25741868, with internal and published modifications).

Eurofins Ntd Llc (ga)
Classification: Uncertain significance. Last evaluated: 2015-04-24. Review status: criteria provided, single submitter. Criteria: EGL Classification Definitions 2015. Collection method: clinical testing. Allele origin: germline. Observed: 1 variant allele, 1 heterozygote.

NM_001378615.1(CC2D2A):c.3228G>A (p.Lys1076=)

Genes: CC2D2A (coiled-coil and C2 domain containing 2A; plus strand), FBXL5 (F-box and leucine rich repeat protein 5; minus strand). Cytogenetic location: 4p15.32.
Variant type: single nucleotide variant.
Coding change: c.3228G>A on transcript NM_001378615.1 (MANE Select); coding-DNA position 3228, G replaced by A.
Protein change: p.Lys1076=; no amino-acid change (lysine 1076 retained).
Molecular consequence: synonymous variant.
Genome position (GRCh38, 1-based): chr4:15,567,422, G>A. VCF-style: chr4-15567422-G-A. GRCh37 (hg19) VCF-style: chr4-15569045-G-A.
Other names: c.3228G>A, p.Lys1076= (NM_001080522.2); c.3081G>A, p.Lys1027= (NM_001378617.1).
Identifiers: ClinVar variation 195933 (VCV000195933.6), dbSNP rs774427183, ClinGen allele CA242637.